The following is an entry in ClinVar:

ClinVar aggregate classification (germline): Benign. Review status: criteria provided, single submitter (1 of 4 stars). 2 submissions from 2 submitters: Benign (1). 1 of the submissions does not count toward it. Last evaluated 2025-10-28.

Conditions:
NLRC4-related disorder. Also called: NLRC4-related condition.
Periodic fever-infantile enterocolitis-autoinflammatory syndrome. Also called: Autoinflammation with infantile enterocolitis. Identifiers: Orphanet 436166, MedGen C4015067, MONDO:0014472, OMIM 616050.
Familial cold autoinflammatory syndrome 4 (FCAS4). Identifiers: Orphanet 47045, Orphanet 576349, MedGen C4015276, MONDO:0014498, OMIM 616115.

Allele frequency attached by ClinVar (database versions not stated): gnomAD 0.00015 and 0.00016; ExAC 0.00007; gnomAD exomes 0.00006; TOPMed 0.00016; ESP Exome Variant Server 0.00015.

Submissions (2):

Labcorp Genetics (formerly Invitae), Labcorp
Classification: Benign for Periodic fever-infantile enterocolitis-autoinflammatory syndrome; Familial cold autoinflammatory syndrome 4. Last evaluated: 2025-10-28. Review status: criteria provided, single submitter. Criteria: Invitae Variant Classification Sherloc (09022015). Collection method: clinical testing. Allele origin: germline.

PreventionGenetics, part of Exact Sciences
Classification: Likely benign for NLRC4-related condition. Last evaluated: 2023-01-06. Review status: no assertion criteria provided. Collection method: clinical testing. Allele origin: germline. Not counted in ClinVar's aggregate classification.
Comment: This variant is classified as likely benign based on ACMG/AMP sequence variant interpretation guidelines (Richards et al. 2015 PMID: 25741868, with internal and published modifications).

NM_001199138.2(NLRC4):c.1740A>G (p.Gln580=)

Gene: NLRC4 (NLR family CARD domain containing 4; minus strand). Cytogenetic location: 2p22.3.
Variant type: single nucleotide variant.
Coding change: c.1740A>G on transcript NM_001199138.2 (MANE Select); coding-DNA position 1740, A replaced by G.
Protein change: p.Gln580=; no amino-acid change (glutamine 580 retained).
Molecular consequence: synonymous variant. On other transcripts: intron variant (1).
Genome position (GRCh38, 1-based): chr2:32,250,124, T>C on the plus strand (A>G on the coding strand, the complement: NLRC4 is on the minus strand). VCF-style: chr2-32250124-T-C. GRCh37 (hg19) VCF-style: chr2-32475193-T-C.
Other names: c.1740A>G, p.Gln580= (NM_001199139.2, NM_021209.5); c.262+2295A>G (NM_001302504.1).
Identifiers: ClinVar variation 1601178 (VCV001601178.10), dbSNP rs138661247, ClinGen allele CA1601935.
Genomic context (GRCh38, chr2:32,250,124, plus strand): 5'-TTCAAAGAAGTCAAATAAGTAATCGGGGATGTTCCCTGAGTTGATATATAAGCTTTTACC[T>C]TGAAAGAAAGCTTCAAATTCTTGGCTCAGGGCTGATTTGGATGTACTCTCTTGATATAAA-3'
Protein context (NP_001186067.1, residues 570-590): ALSQEFEAFF[Gln580=]GKSLYINSGN